The following is an entry in ClinVar:

ClinVar aggregate classification (germline): Likely benign (1 of 4 stars; one submission).

Conditions:
Loeys-Dietz syndrome 2 (LDS2). Also called: TGFBR2-Related Loeys-Dietz Syndrome; AORTIC ANEURYSM, FAMILIAL THORACIC 3; MARFAN SYNDROME, TYPE II; Marfan syndrome, type 2 (formerly); Marfan Syndrome type 2; Marfan like connective tissue disorder. Identifiers: Orphanet 284973, Orphanet 558, MedGen C2674574, MONDO:0012427, OMIM 610168.

Allele frequency attached by ClinVar (database versions not stated): gnomAD exomes below 0.00001.
gnomAD v4.1: 1 of 1,614,168 alleles (0.000062%); highest among the groups gnomAD compares: Non-Finnish European, 0.000085%; no homozygotes.

Submission:

All of Us Research Program, National Institutes of Health
Classification: Likely benign for Loeys-Dietz syndrome 2. Last evaluated: 2023-05-16. Review status: criteria provided, single submitter. Criteria: ACMG Guidelines, 2015. Collection method: clinical testing. Allele origin: germline. Inheritance: Autosomal dominant inheritance. Observed: 1 variant allele, 1 heterozygote.
Comment: This study involves interpretation of variants in research participants for the purpose of population health screening. Participant phenotype was not available at the time of variant classification. Additional details can be found in publication PMID: 35346344, PMCID: PMC8962531

NM_003242.6(TGFBR2):c.1203C>T (p.Ser401=)

Gene: TGFBR2 (transforming growth factor beta receptor 2; plus strand). Cytogenetic location: 3p24.1.
Variant type: single nucleotide variant.
Coding change: c.1203C>T on transcript NM_003242.6 (MANE Select); coding-DNA position 1203, C replaced by T.
Protein change: p.Ser401=; no amino-acid change (serine 401 retained).
Molecular consequence: synonymous variant. On other transcripts: intron variant (1).
Genome position (GRCh38, 1-based): chr3:30,672,386, C>T. VCF-style: chr3-30672386-C-T. GRCh37 (hg19) VCF-style: chr3-30713878-C-T.
Other names: c.1278C>T, p.Ser426= (NM_001024847.3); c.1386C>T, p.Ser462= (NM_001407126.1); c.1311C>T, p.Ser437= (NM_001407127.1); c.1230C>T, p.Ser410= (NM_001407128.1); c.1206C>T, p.Ser402= (NM_001407129.1); c.1203C>T, p.Ser401= (NM_001407130.1); c.1098C>T, p.Ser366= (NM_001407132.1, NM_001407133.1, NM_001407134.1 and 2 more transcripts); c.918C>T, p.Ser306= (NM_001407137.1); and 2 more.
Identifiers: ClinVar variation 3071011 (VCV003071011.1), dbSNP rs2125436880, ClinGen allele CA432917636.